The following is an entry in ClinVar:

NM_182916.3(TRNT1):c.809C>G (p.Pro270Arg)

Gene: TRNT1 (tRNA nucleotidyl transferase 1; plus strand). Cytogenetic location: 3p26.2.
Variant type: single nucleotide variant.
Coding change: c.809C>G on transcript NM_182916.3 (MANE Select); coding-DNA position 809, C replaced by G.
Protein change: p.Pro270Arg; replaces proline 270 with arginine.
Molecular consequence: missense variant. On other transcripts: non-coding transcript variant (8).
Genome position (GRCh38, 1-based): chr3:3,147,456, C>G. VCF-style: chr3-3147456-C-G. GRCh37 (hg19) VCF-style: chr3-3189140-C-G.
Other names: p.Pro270Arg; c.749C>G, p.Pro250Arg (NM_001302946.2); c.809C>G, p.Pro270Arg (NM_001367321.1, NM_001367322.1, NM_001367323.1); short protein forms P250R, P270R.
Identifiers: ClinVar variation 784897 (VCV000784897.33), dbSNP rs187921784, ClinGen allele CA2228805.

ClinVar aggregate classification (germline): Conflicting classifications of pathogenicity. Review status: criteria provided, conflicting classifications (1 of 4 stars). 6 submissions from 6 submitters: Uncertain significance (2); Likely benign (3). 1 of the submissions does not count toward it. Last evaluated 2026-09-01.

Conditions:
TRNT1-related disorder. Also called: TRNT1-related disorders; TRNT1-related condition.
Retinitis pigmentosa and erythrocytic microcytosis (RPEM). Identifiers: MedGen C4310776, MONDO:0014850, OMIM 616959.
Congenital sideroblastic anemia-B-cell immunodeficiency-periodic fever-developmental delay syndrome. Also called: Sideroblastic anemia with B-cell immunodeficiency, periodic fevers, and developmental delay. Identifiers: Orphanet 369861, MedGen C4015172, MONDO:0014487, OMIM 616084.

Allele frequency attached by ClinVar (database versions not stated): ESP Exome Variant Server 0.00023; TOPMed 0.00029; gnomAD exomes 0.00057 and 0.00103; 1000 Genomes Project 0.00080; ExAC 0.00083; gnomAD 0.00103 and 0.00106.
gnomAD v4.1: 983 of 1,613,244 alleles (0.061%); highest among the groups gnomAD compares: Non-Finnish European, 0.039%; 5 homozygotes.

Submissions (6):

CeGaT Center for Human Genetics Tuebingen
Classification: Likely benign. Last evaluated: 2026-09-01. Review status: criteria provided, single submitter. Criteria: CeGaT Center For Human Genetics Tuebingen Variant Classification Criteria Version 2. Collection method: clinical testing. Allele origin: germline. Affected: yes. Observed: 2 variant alleles.
Comment: TRNT1: BS2

GeneDx
Classification: Uncertain significance. Last evaluated: 2026-04-23. Review status: criteria provided, single submitter. Criteria: GeneDx Variant Classification Process June 2021. Collection method: clinical testing. Allele origin: germline.
Comment: In silico analysis supports that this missense variant has a deleterious effect on protein structure/function; Has not been previously published as pathogenic or benign to our knowledge

Labcorp Genetics (formerly Invitae), Labcorp
Classification: Likely benign for Congenital sideroblastic anemia-B-cell immunodeficiency-periodic fever-developmental delay syndrome. Last evaluated: 2026-01-17. Review status: criteria provided, single submitter. Criteria: Invitae Variant Classification Sherloc (09022015). Collection method: clinical testing. Allele origin: germline.

Mayo Clinic Laboratories, Mayo Clinic
Classification: Likely benign. Last evaluated: 2025-09-24. Review status: criteria provided, single submitter. Criteria: ACMG Guidelines, 2015. Collection method: clinical testing. Allele origin: germline. Observed: 1 variant allele.
Comment: BS1, BS2

Center for Genomics, Ann and Robert H. Lurie Children's Hospital of Chicago
Classification: Uncertain significance for Retinitis pigmentosa and erythrocytic microcytosis; Congenital sideroblastic anemia-B-cell immunodeficiency-periodic fever-developmental delay syndrome. Review status: criteria provided, single submitter. Criteria: ACMG Guidelines, 2015. Collection method: clinical testing. Allele origin: germline.
Comment: TRNT1 NM_182916.2 exon 7 p.Pro270Arg (c.809C>G):This variant has not been reported in the literature but is present in 0.8% (86/10588) of European alleles in the Genome Aggregation Database. This variant is present in ClinVar (Variation ID:784897). Evolutionary conservation suggests that this variant may impact the protein; computational predictive tools for this variant are unclear. In summary, data on this variant is insufficient for disease classification. Therefore, the clinical significance of this variant is uncertain.

PreventionGenetics, part of Exact Sciences
Classification: Likely benign for TRNT1-related condition. Last evaluated: 2023-12-15. Review status: no assertion criteria provided. Collection method: clinical testing. Allele origin: germline. Not counted in ClinVar's aggregate classification.
Comment: This variant is classified as likely benign based on ACMG/AMP sequence variant interpretation guidelines (Richards et al. 2015 PMID: 25741868, with internal and published modifications).